The following is an entry in ClinVar:

NM_000545.8(HNF1A):c.644T>C (p.Phe215Ser)

Gene: HNF1A (HNF1 homeobox A; plus strand). Cytogenetic location: 12q24.31.
Variant type: single nucleotide variant.
Coding change: c.644T>C on transcript NM_000545.8 (MANE Select); coding-DNA position 644, T replaced by C.
Protein change: p.Phe215Ser; replaces phenylalanine 215 with serine.
Molecular consequence: missense variant.
Genome position (GRCh38, 1-based): chr12:120,993,637, T>C. VCF-style: chr12-120993637-T-C. GRCh37 (hg19) VCF-style: chr12-121431440-T-C.
Other names: c.644T>C, p.Phe215Ser (NM_001306179.2); short protein forms F215S.
Identifiers: ClinVar variation 1318912 (VCV001318912.2), dbSNP rs2135839510, ClinGen allele CA386964729.

ClinVar aggregate classification (germline): Uncertain significance (1 of 4 stars; one submission).

Submission:

GeneDx
Classification: Uncertain significance. Last evaluated: 2019-10-09. Review status: criteria provided, single submitter. Criteria: GeneDx Variant Classification Process June 2021. Collection method: clinical testing. Allele origin: germline. Affected: yes.
Comment: Not observed in large population cohorts (Lek et al., 2016); In silico analysis, which includes protein predictors and evolutionary conservation, supports a deleterious effect; Has not been previously published as pathogenic or benign to our knowledge